The following is an entry in ClinVar:

NM_000875.5(IGF1R):c.3041A>G (p.Tyr1014Cys)

Gene: IGF1R (insulin like growth factor 1 receptor; plus strand). Cytogenetic location: 15q26.3.
Variant type: single nucleotide variant.
Coding change: c.3041A>G on transcript NM_000875.5 (MANE Select); coding-DNA position 3041, A replaced by G.
Protein change: p.Tyr1014Cys; replaces tyrosine 1014 with cysteine.
Molecular consequence: missense variant.
Genome position (GRCh38, 1-based): chr15:98,934,908, A>G. VCF-style: chr15-98934908-A-G. GRCh37 (hg19) VCF-style: chr15-99478137-A-G.
Other names: c.3038A>G, p.Tyr1013Cys (NM_001291858.2); short protein forms Y1013C, Y1014C.
Identifiers: ClinVar variation 5018664 (VCV005018664.2).

ClinVar aggregate classification (germline): Uncertain significance (1 of 4 stars; one submission).

Conditions:
Growth delay due to insulin-like growth factor I resistance. Also called: Insulin-Like Growth Factor I Resistance; Somatomedin end-organ insensitivity to; Somatomedin-c resistance to; IGF-1 resistance; IGF-I RESISTANCE. Identifiers: Orphanet 73273, MedGen C1849157, MONDO:0010038, OMIM 270450.

gnomAD v4.1: 21 of 1,614,042 alleles (0.0013%); highest among the groups gnomAD compares: African/African-American, 0.004%; no homozygotes.

Submission:

Juno Genomics, Hangzhou Juno Genomics, Inc
Classification: Uncertain significance for Growth delay due to insulin-like growth factor I resistance. Review status: criteria provided, single submitter. Criteria: ACMG Guidelines, 2015. Collection method: clinical testing. Allele origin: germline.
Comment: Absent from controls (or at extremely low frequency if recessive) in Genome Aggregation Database.;Missense variant in a gene that has a low rate of benign missense variation.;Multiple lines of computational evidence support a deleterious effect on the gene or gene product.